The following is an entry in ClinVar:

NM_033109.5(PNPT1):c.833C>G (p.Thr278Ser)

Gene: PNPT1 (polyribonucleotide nucleotidyltransferase 1; minus strand). Cytogenetic location: 2p16.1.
Variant type: single nucleotide variant.
Coding change: c.833C>G on transcript NM_033109.5 (MANE Select); coding-DNA position 833, C replaced by G.
Protein change: p.Thr278Ser; replaces threonine 278 with serine.
Molecular consequence: missense variant.
Genome position (GRCh38, 1-based): chr2:55,672,926, G>C on the plus strand (C>G on the coding strand, the complement: PNPT1 is on the minus strand). VCF-style: chr2-55672926-G-C. GRCh37 (hg19) VCF-style: chr2-55900061-G-C.
Other names: c.833C>G (NM_033109.3); short protein forms T278S.
Identifiers: ClinVar variation 1391707 (VCV001391707.5), dbSNP rs572632492, ClinGen allele CA1668338.

ClinVar aggregate classification (germline): Uncertain significance. Review status: criteria provided, multiple submitters, no conflicts (2 of 4 stars). 3 submissions from 3 submitters: Uncertain significance (3). Last evaluated 2024-03-28.

Conditions:
Inborn genetic diseases. Identifiers: MedGen C0950123, MeSH D030342.

Allele frequency attached by ClinVar (database versions not stated): ExAC 0.00001; gnomAD 0.00001; TOPMed 0.00001; gnomAD exomes 0.00002; 1000 Genomes Project 30x 0.00016; 1000 Genomes Project 0.00020.

Submissions (3):

Blueprint Genetics
Classification: Uncertain significance. Last evaluated: 2024-03-28. Review status: criteria provided, single submitter. Criteria: ACMG Guidelines, 2015. Collection method: clinical testing. Allele origin: germline.

Ambry Genetics
Classification: Uncertain significance for Inborn genetic diseases. Last evaluated: 2023-10-02. Review status: criteria provided, single submitter. Criteria: Ambry Variant Classification Scheme 2023. Collection method: clinical testing. Allele origin: germline.

Labcorp Genetics (formerly Invitae), Labcorp
Classification: Uncertain significance. Last evaluated: 2021-11-06. Review status: criteria provided, single submitter. Criteria: Invitae Variant Classification Sherloc (09022015). Collection method: clinical testing. Allele origin: germline.
Comment: This sequence change replaces threonine, which is neutral and polar, with serine, which is neutral and polar, at codon 278 of the PNPT1 protein (p.Thr278Ser). This variant is present in population databases (rs572632492, gnomAD 0.03%). This variant has not been reported in the literature in individuals affected with PNPT1-related conditions. Advanced modeling of protein sequence and biophysical properties (such as structural, functional, and spatial information, amino acid conservation, physicochemical variation, residue mobility, and thermodynamic stability) performed at Invitae indicates that this missense variant is not expected to disrupt PNPT1 protein function. In summary, the available evidence is currently insufficient to determine the role of this variant in disease. Therefore, it has been classified as a Variant of Uncertain Significance.